The following is an entry in ClinVar:

NM_002907.4(RECQL):c.1814C>A (p.Thr605Asn)

Genes: PYROXD1 (pyridine nucleotide-disulphide oxidoreductase domain 1; plus strand), RECQL (RecQ like helicase; minus strand). Cytogenetic location: 12p12.1.
Variant type: single nucleotide variant.
Coding change: c.1814C>A on transcript NM_002907.4 (MANE Select); coding-DNA position 1814, C replaced by A.
Protein change: p.Thr605Asn; replaces threonine 605 with asparagine.
Molecular consequence: missense variant. On other transcripts: 3 prime UTR variant (3).
Genome position (GRCh38, 1-based): chr12:21,470,330, G>T on the plus strand (C>A on the coding strand, the complement: RECQL is on the minus strand). VCF-style: chr12-21470330-G-T. GRCh37 (hg19) VCF-style: chr12-21623264-G-T.
Other names: c.1814C>A, p.Thr605Asn (NM_032941.3); c.*1576G>T (NM_001350912.2, NM_001350913.2, NM_024854.5); short protein forms T605N.
Identifiers: ClinVar variation 1780638 (VCV001780638.2), dbSNP rs1433345033, ClinGen allele CA384114042.

ClinVar aggregate classification (germline): Uncertain significance (1 of 4 stars; one submission).

Submission:

Ambry Genetics
Classification: Uncertain significance. Last evaluated: 2021-12-10. Review status: criteria provided, single submitter. Criteria: Ambry Variant Classification Scheme 2023. Collection method: clinical testing. Allele origin: germline.
Comment: The p.T605N variant (also known as c.1814C>A), located in coding exon 14 of the RECQL gene, results from a C to A substitution at nucleotide position 1814. The threonine at codon 605 is replaced by asparagine, an amino acid with similar properties. This amino acid position is conserved. In addition, this alteration is predicted to be tolerated by in silico analysis. Since supporting evidence is limited at this time, the clinical significance of this alteration remains unclear.